The following is an entry in ClinVar:

ClinVar aggregate classification (germline): Uncertain significance (1 of 4 stars; one submission).

Conditions:
Combined deficiency of sialidase AND beta galactosidase (GSL). Also called: PPCA DEFICIENCY; PROTECTIVE PROTEIN/CATHEPSIN A DEFICIENCY; Galactosialidosis; GOLDBERG SYNDROME; NEURAMINIDASE DEFICIENCY WITH BETA-GALACTOSIDASE DEFICIENCY; NEURAMINIDASE/BETA-GALACTOSIDASE EXPRESSION. Identifiers: Orphanet 351, MedGen C0268233, MONDO:0009737, OMIM 256540.

Submission:

Labcorp Genetics (formerly Invitae), Labcorp
Classification: Uncertain significance for Combined deficiency of sialidase AND beta galactosidase. Last evaluated: 2022-11-15. Review status: criteria provided, single submitter. Criteria: Invitae Variant Classification Sherloc (09022015). Collection method: clinical testing. Allele origin: germline.
Comment: In summary, the available evidence is currently insufficient to determine the role of this variant in disease. Therefore, it has been classified as a Variant of Uncertain Significance. Algorithms developed to predict the effect of missense changes on protein structure and function are either unavailable or do not agree on the potential impact of this missense change (SIFT: "Not Available"; PolyPhen-2: "Possibly Damaging"; Align-GVGD: "Not Available"). This variant has not been reported in the literature in individuals affected with CTSA-related conditions. This variant is not present in population databases (gnomAD no frequency). This sequence change replaces asparagine, which is neutral and polar, with aspartic acid, which is acidic and polar, at codon 360 of the CTSA protein (p.Asn360Asp).

NM_000308.4(CTSA):c.1024A>G (p.Asn342Asp)

Gene: CTSA (cathepsin A; plus strand). Cytogenetic location: 20q13.12.
Variant type: single nucleotide variant.
Coding change: c.1024A>G on transcript NM_000308.4 (MANE Select); coding-DNA position 1024, A replaced by G.
Protein change: p.Asn342Asp; replaces asparagine 342 with aspartic acid.
Molecular consequence: missense variant. On other transcripts: non-coding transcript variant (1).
Genome position (GRCh38, 1-based): chr20:45,895,069, A>G. VCF-style: chr20-45895069-A-G. GRCh37 (hg19) VCF-style: chr20-44523708-A-G.
Other names: c.1024A>G, p.Asn342Asp (NM_001127695.3); c.973A>G, p.Asn325Asp (NM_001167594.3); short protein forms N325D, N342D.
Identifiers: ClinVar variation 2099542 (VCV002099542.4), dbSNP rs2515441302, ClinGen allele CA409252751.